The following is an entry in ClinVar:

NM_201253.3(CRB1):c.3325_3326del (p.Tyr1109fs)

Gene: CRB1 (crumbs cell polarity complex component 1; plus strand). Cytogenetic location: 1q31.3.
Variant type: Deletion.
Coding change: c.3325_3326del on transcript NM_201253.3 (MANE Select); coding-DNA positions 3325 to 3326, 2 bases deleted (TA; older notation c.3325_3326delTA).
Protein change: p.Tyr1109fs; shifts the reading frame from tyrosine 1109.
Molecular consequence: frameshift variant. On other transcripts: non-coding transcript variant (2), intron variant (1).
Genome position (GRCh38, 1-based): chr1:197,435,188-197,435,189, TA deleted. VCF-style (leftmost placement, unchanged base first): chr1-197435187-TTA-T. GRCh37 (hg19) VCF-style: chr1-197404317-TTA-T.
Other names: c.2989_2990del, p.Tyr997fs (NM_001193640.2); c.3253_3254del, p.Tyr1085fs (NM_001257965.2); c.2129-412_2129-411del (NM_001257966.2); short protein forms Y997fs, Y1109fs, Y1085fs.
Identifiers: ClinVar variation 1404423 (VCV001404423.6), dbSNP rs2125500141, ClinGen allele CA2573131450.

ClinVar aggregate classification (germline): Pathogenic (1 of 4 stars; one submission).

Conditions:
Leber congenital amaurosis 8 (LCA8). Identifiers: Orphanet 65, MedGen C3151202, MONDO:0013453, OMIM 613835.
Retinitis pigmentosa 12 (RP12). Also called: RP WITH OR WITHOUT PPRPE; RP WITH OR WITHOUT PRESERVED PARAARTERIOLE RETINAL PIGMENT EPITHELIUM; RETINITIS PIGMENTOSA WITH OR WITHOUT PARAARTERIOLAR PRESERVATION OF RETINAL PIGMENT EPITHELIUM. Identifiers: Orphanet 791, MedGen C1838647, MONDO:0010818, OMIM 600105.

Submission:

Labcorp Genetics (formerly Invitae), Labcorp
Classification: Pathogenic for Leber congenital amaurosis 8; Retinitis pigmentosa 12. Last evaluated: 2021-02-16. Review status: criteria provided, single submitter. Criteria: Invitae Variant Classification Sherloc (09022015). Collection method: clinical testing. Allele origin: germline.
Comment: This sequence change creates a premature translational stop signal (p.Tyr1109Leufs*2) in the CRB1 gene. It is expected to result in an absent or disrupted protein product. Loss-of-function variants in CRB1 are known to be pathogenic (PMID: 10508521, 22065545, 23379534, 25412400, 26957898, 28041643, 29391521). This variant is not present in population databases (ExAC no frequency). This variant has not been reported in the literature in individuals with CRB1-related conditions. For these reasons, this variant has been classified as Pathogenic.

Literature cited by the submitters: PubMed 10508521; PubMed 22065545; PubMed 23379534; PubMed 25412400; PubMed 26957898; PubMed 28041643; PubMed 29391521.